The following is an entry in ClinVar:

NM_001267550.2(TTN):c.88187_88189delinsCCG (p.Ile29396_Ile29397delinsThrVal)

Genes: TTN-AS1 (TTN antisense RNA 1; plus strand), TTN (titin; minus strand). Cytogenetic location: 2q31.2.
Variant type: Indel.
Coding change: c.88187_88189delinsCCG on transcript NM_001267550.2 (MANE Select); coding-DNA positions 88187 to 88189, TCA replaced by CCG.
Protein change: p.Ile29396_Ile29397delinsThrVal.
Molecular consequence: missense variant.
Genome position (GRCh38, 1-based): chr2:178,556,965-178,556,967, TGA replaced by CGG on the plus strand (TCA replaced by CCG on the coding strand, the reverse complement: TTN is on the minus strand). VCF-style: chr2-178556965-TGA-CGG. GRCh37 (hg19) VCF-style: chr2-179421692-TGA-CGG.
Other names: c.60992_60994delTCAinsCCG (NM_003319.4); c.83264_83266delinsCCG, p.Ile27755_Ile27756delinsThrVal (NM_001256850.1); c.60992_60994delinsCCG, p.Ile20331_Ile20332delinsThrVal (NM_003319.4); c.80483_80485delinsCCG, p.Ile26828_Ile26829delinsThrVal (NM_133378.4); c.61367_61369delinsCCG, p.Ile20456_Ile20457delinsThrVal (NM_133432.3); c.61568_61570delinsCCG, p.Ile20523_Ile20524delinsThrVal (NM_133437.4).
Identifiers: ClinVar variation 4843173 (VCV004843173.1).

ClinVar aggregate classification (germline): Uncertain significance (1 of 4 stars; one submission).

Conditions:
Cardiovascular phenotype. Identifiers: MedGen CN230736.

Submission:

Ambry Genetics
Classification: Uncertain significance for Cardiovascular phenotype. Last evaluated: 2025-12-30. Review status: criteria provided, single submitter. Criteria: Ambry Variant Classification Scheme 2023. Collection method: clinical testing. Allele origin: germline.
Comment: The c.60992_60994delTCAinsCCG variant (also known as p.I20331_I20332delinsTV), located in coding exon 157 of the TTN gene, results from an in-frame deletion of TCA and insertion of CCG at nucleotide positions 60992 to 60994. This results in the substitution of the the isoleucine residues for threonine and valine residues at codons 20331 and 20332. These amino acid positions are poorly conserved in available vertebrate species. In addition, this variant is predicted to be neutral by in silico analysis (Choi Y et al. PLoS ONE. 2012; 7(10):e46688). Based on the available evidence, the clinical significance of this variant remains unclear.